The following is an entry in ClinVar:

NM_015509.4(NECAP1):c.88G>C (p.Gly30Arg)

Genes: NECAP1 (NECAP endocytosis associated 1; plus strand), LOC126861440 (MED14-independent group 3 enhancer GRCh37_chr12:8234132-8235331; plus strand). Cytogenetic location: 12p13.31.
Variant type: single nucleotide variant.
Coding change: c.88G>C on transcript NM_015509.4 (MANE Select); coding-DNA position 88, G replaced by C.
Protein change: p.Gly30Arg; replaces glycine 30 with arginine.
Molecular consequence: missense variant. On other transcripts: non-coding transcript variant (1).
Genome position (GRCh38, 1-based): chr12:8,082,376, G>C. VCF-style: chr12-8082376-G-C. GRCh37 (hg19) VCF-style: chr12-8234972-G-C.
Other names: short protein forms G30R.
Identifiers: ClinVar variation 2112496 (VCV002112496.4), dbSNP rs147832660, ClinGen allele CA383795574.
Genomic context (GRCh38, chr12:8,082,376, plus strand): 5'-GTGCTGTGTGTGAAGCCAGACGTCAGCGTCTACCGGATTCCGCCCCGGGCCTCCAACCGC[G>C]GTTACAGGTACTAACCCCGAGGCGCTGCCGCACACGCGTACTCTGTCGCAGATGACAGCT-3'
Protein context (NP_056324.2, residues 20-40): YRIPPRASNR[Gly30Arg]YRASDWKLDQ

ClinVar aggregate classification (germline): Uncertain significance (1 of 4 stars; one submission).

Conditions:
Developmental and epileptic encephalopathy, 21 (DEE21). Also called: Early infantile epileptic encephalopathy 21. Identifiers: Orphanet 442835, MedGen C4014430, MONDO:0014360, OMIM 615833.

Submission:

Labcorp Genetics (formerly Invitae), Labcorp
Classification: Uncertain significance for Developmental and epileptic encephalopathy, 21. Last evaluated: 2022-04-19. Review status: criteria provided, single submitter. Criteria: Invitae Variant Classification Sherloc (09022015). Collection method: clinical testing. Allele origin: germline.
Comment: In summary, the available evidence is currently insufficient to determine the role of this variant in disease. Therefore, it has been classified as a Variant of Uncertain Significance. Algorithms developed to predict the effect of missense changes on protein structure and function are either unavailable or do not agree on the potential impact of this missense change (SIFT: "Not Available"; PolyPhen-2: "Probably Damaging"; Align-GVGD: "Not Available"). This variant has not been reported in the literature in individuals affected with NECAP1-related conditions. This variant is not present in population databases (gnomAD no frequency). This sequence change replaces glycine, which is neutral and non-polar, with arginine, which is basic and polar, at codon 30 of the NECAP1 protein (p.Gly30Arg).